The following is an entry in ClinVar:

NM_019892.6(INPP5E):c.4C>T (p.Pro2Ser)

Gene: INPP5E (inositol polyphosphate-5-phosphatase E; minus strand). Cytogenetic location: 9q34.3.
Variant type: single nucleotide variant.
Coding change: c.4C>T on transcript NM_019892.6 (MANE Select); coding-DNA position 4, C replaced by T.
Protein change: p.Pro2Ser; replaces proline 2 with serine.
Molecular consequence: missense variant.
Genome position (GRCh38, 1-based): chr9:136,439,416, G>A on the plus strand (C>T on the coding strand, the complement: INPP5E is on the minus strand). VCF-style: chr9-136439416-G-A. GRCh37 (hg19) VCF-style: chr9-139333868-G-A.
Other names: c.4C>T, p.Pro2Ser (NM_001318502.2); c.4C>T (NM_019892.4, NM_019892.5); short protein forms P2S.
Identifiers: ClinVar variation 1472728 (VCV001472728.10), dbSNP rs1399373117, ClinGen allele CA375572209.

ClinVar aggregate classification (germline): Uncertain significance. Review status: criteria provided, multiple submitters, no conflicts (2 of 4 stars). 3 submissions from 3 submitters: Uncertain significance (3). Last evaluated 2025-08-27.

Conditions:
Inborn genetic diseases. Identifiers: MedGen C0950123, MeSH D030342.
INPP5E-related disorder. Also called: INPP5E-related condition.
Joubert syndrome. Also called: Familial aplasia of the vermis; JOUBERT-BOLTSHAUSER SYNDROME. Identifiers: Orphanet 475, MedGen C5979921, MONDO:0018772.

Allele frequency attached by ClinVar (database versions not stated): gnomAD exomes below 0.00001; TOPMed below 0.00001.
gnomAD v4.1: 3 of 1,465,258 alleles (0.0002%); highest among the groups gnomAD compares: Non-Finnish European, 0.00027%; no homozygotes.

Submissions (3):

Ambry Genetics
Classification: Uncertain significance for Inborn genetic diseases. Last evaluated: 2025-08-27. Review status: criteria provided, single submitter. Criteria: Ambry Variant Classification Scheme 2023. Collection method: clinical testing. Allele origin: germline.

PreventionGenetics, part of Exact Sciences
Classification: Uncertain significance for INPP5E-related condition. Last evaluated: 2024-10-21. Review status: criteria provided, single submitter. Criteria: ACMG Guidelines, 2015. Collection method: clinical testing. Allele origin: germline.
Comment: The INPP5E c.4C>T variant is predicted to result in the amino acid substitution p.Pro2Ser. To our knowledge, this variant has not been reported in the literature. This variant is reported in 0.0% of alleles in individuals of African descent in gnomAD. At this time, the clinical significance of this variant is uncertain due to the absence of conclusive functional and genetic evidence.

Labcorp Genetics (formerly Invitae), Labcorp
Classification: Uncertain significance for Joubert syndrome. Last evaluated: 2021-05-17. Review status: criteria provided, single submitter. Criteria: Invitae Variant Classification Sherloc (09022015). Collection method: clinical testing. Allele origin: germline.
Comment: This sequence change replaces proline with serine at codon 2 of the INPP5E protein (p.Pro2Ser). The proline residue is weakly conserved and there is a moderate physicochemical difference between proline and serine. The frequency data for this variant in the population databases is considered unreliable, as metrics indicate insufficient coverage at this position in the ExAC database. This variant has not been reported in the literature in individuals with INPP5E-related conditions. Algorithms developed to predict the effect of missense changes on protein structure and function are either unavailable or do not agree on the potential impact of this missense change (SIFT: "Tolerated"; PolyPhen-2: "Probably Damaging"; Align-GVGD: "Class C0"). In summary, the available evidence is currently insufficient to determine the role of this variant in disease. Therefore, it has been classified as a Variant of Uncertain Significance.